The following is an entry in ClinVar:

ClinVar aggregate classification (germline): Conflicting classifications of pathogenicity. Review status: criteria provided, conflicting classifications (1 of 4 stars). 12 submissions from 10 submitters: Uncertain significance (1); Benign (3); Likely benign (8). Last evaluated 2026-09-01.

Conditions:
RYR1-related disorder. Also called: RYR1-related disorders; RYR1-related condition. Identifiers: MedGen CN239331.
Inborn genetic diseases. Identifiers: MedGen C0950123, MeSH D030342.
Central core myopathy (CMYO1A). Also called: CONGENITAL MYOPATHY 1A, AUTOSOMAL DOMINANT, WITH SUSCEPTIBILITY TO MALIGNANT HYPERTHERMIA; Central core disease; Myopathy, central fibrillar. Identifiers: Orphanet 597, MedGen C5830701, MONDO:0007294, OMIM 117000.
Malignant hyperthermia, susceptibility to, 1 (MHS1). Also called: Malignant hyperthermia suceptibility 1; Anesthesia related hyperthermia; Malignant hyperpyrexia; Fulminating hyperpyrexia; Pharmacogenic myopathy; RYR1-Related Malignant Hyperthermia Susceptibility. Identifiers: Orphanet 423, MedGen C2930980, MONDO:0007783, OMIM 145600.
Congenital multicore myopathy with external ophthalmoplegia (CMYO1B). Also called: Congenital myopathy 1B, autosomal recessive; Minicore myopathy; MULTICORE MYOPATHY; MULTIMINICORE DISEASE WITH EXTERNAL OPHTHALMOPLEGIA; Minicore myopathy with external ophthalmoplegia. Identifiers: Orphanet 598, Orphanet 98905, MedGen C1850674, MONDO:0009712, OMIM 255320, HP:0003789.

Allele frequency attached by ClinVar (database versions not stated): 1000 Genomes Project 0.00060; 1000 Genomes Project 30x 0.00078; TOPMed 0.00093; ESP Exome Variant Server 0.00108; gnomAD exomes 0.00109; ExAC 0.00116; gnomAD 0.00123 and 0.00126.
gnomAD v4.1: 1,431 of 1,608,840 alleles (0.089%); highest among the groups gnomAD compares: Non-Finnish European, 0.098%; 3 homozygotes.

Submissions (12):

CeGaT Center for Human Genetics Tuebingen
Classification: Likely benign. Last evaluated: 2026-09-01. Review status: criteria provided, single submitter. Criteria: CeGaT Center For Human Genetics Tuebingen Variant Classification Criteria Version 2. Collection method: clinical testing. Allele origin: germline. Affected: yes. Observed: 31 variant alleles.
Comment: RYR1: BP4, BP7

Ambry Genetics
Classification: Likely benign for Inborn genetic diseases. Last evaluated: 2026-07-01. Review status: criteria provided, single submitter. Criteria: Ambry Variant Classification Scheme 2023. Collection method: clinical testing. Allele origin: germline.

Labcorp Genetics (formerly Invitae), Labcorp
Classification: Benign for RYR1-related disorder. Last evaluated: 2026-01-25. Review status: criteria provided, single submitter. Criteria: Invitae Variant Classification Sherloc (09022015). Collection method: clinical testing. Allele origin: germline.

Blueprint Genetics
Classification: Likely benign. Last evaluated: 2024-11-26. Review status: criteria provided, single submitter. Criteria: ACMG Guidelines, 2015. Collection method: clinical testing. Allele origin: germline.

Color Diagnostics, LLC DBA Color Health
Classification: Benign for Malignant hyperthermia, susceptibility to, 1. Last evaluated: 2022-09-20. Review status: criteria provided, single submitter. Criteria: ACMG Guidelines, 2015. Collection method: clinical testing. Allele origin: germline.

Athena Diagnostics
Classification: Benign. Last evaluated: 2021-02-26. Review status: criteria provided, single submitter. Criteria: Athena Diagnostics criteria. Collection method: clinical testing. Allele origin: unknown.

GeneDx
Classification: Likely benign. Last evaluated: 2020-08-05. Review status: criteria provided, single submitter. Criteria: GeneDx Variant Classification Process June 2021. Collection method: clinical testing. Allele origin: germline. Affected: yes.
Comment: This variant is associated with the following publications: (PMID: 20681998)

Illumina Laboratory Services, Illumina
Classification: Likely benign for Congenital multicore myopathy with external ophthalmoplegia. Last evaluated: 2018-05-03. Review status: criteria provided, single submitter. Criteria: ICSL Variant Classification Criteria 13 December 2019. Collection method: clinical testing. Allele origin: germline.
Comment: This variant was observed as part of a predisposition screen in an ostensibly healthy population. A literature search was performed for the gene, cDNA change, and amino acid change (where applicable). No publications were found based on this search. Allele frequency data from public databases allowed determination this variant is unlikely to cause disease. Therefore, this variant is classified as likely benign.

Illumina Laboratory Services, Illumina
Classification: Likely benign for Malignant hyperthermia, susceptibility to, 1. Last evaluated: 2018-05-03. Review status: criteria provided, single submitter. Criteria: ICSL Variant Classification Criteria 13 December 2019. Collection method: clinical testing. Allele origin: germline.
Comment: This variant was observed as part of a predisposition screen in an ostensibly healthy population. A literature search was performed for the gene, cDNA change, and amino acid change (where applicable). Publications were found based on this search. The evidence from the literature, in combination with allele frequency data from public databases where available, was sufficient to determine this variant is unlikely to cause disease. Therefore, this variant is classified as likely benign.

Illumina Laboratory Services, Illumina
Classification: Likely benign for Central core myopathy. Last evaluated: 2018-05-03. Review status: criteria provided, single submitter. Criteria: ICSL Variant Classification Criteria 13 December 2019. Collection method: clinical testing. Allele origin: germline.
Comment: the same text as in the submission from Illumina Laboratory Services, Illumina above.

Eurofins Ntd Llc (ga)
Classification: Uncertain significance. Last evaluated: 2014-12-03. Review status: criteria provided, single submitter. Criteria: EGL Classification Definitions 2015. Collection method: clinical testing. Allele origin: germline. Observed: 1 variant allele, 1 heterozygote.

PreventionGenetics, part of Exact Sciences
Classification: Likely benign. Review status: criteria provided, single submitter. Criteria: ACMG Guidelines, 2015. Collection method: clinical testing. Allele origin: germline.

Literature cited by the submitters: PubMed 20681998 (cited by Athena Diagnostics and Illumina Laboratory Services, Illumina).

NM_000540.3(RYR1):c.7923C>G (p.Leu2641=)

Gene: RYR1 (ryanodine receptor 1; plus strand). Cytogenetic location: 19q13.2.
Variant type: single nucleotide variant.
Coding change: c.7923C>G on transcript NM_000540.3 (MANE Select); coding-DNA position 7923, C replaced by G.
Protein change: p.Leu2641=; no amino-acid change (leucine 2641 retained).
Molecular consequence: synonymous variant.
Genome position (GRCh38, 1-based): chr19:38,502,967, C>G. VCF-style: chr19-38502967-C-G. GRCh37 (hg19) VCF-style: chr19-38993607-C-G.
Other names: c.7923C>G, p.Leu2641= (NM_001042723.2).
Identifiers: ClinVar variation 197609 (VCV000197609.74), dbSNP rs142558977, ClinGen allele CA024874.